The following is an entry in ClinVar:

NM_000282.4(PCCA):c.944C>T (p.Ala315Val)

Gene: PCCA (propionyl-CoA carboxylase subunit alpha; plus strand). Cytogenetic location: 13q32.3.
Variant type: single nucleotide variant.
Coding change: c.944C>T on transcript NM_000282.4 (MANE Select); coding-DNA position 944, C replaced by T.
Protein change: p.Ala315Val; replaces alanine 315 with valine.
Molecular consequence: missense variant. On other transcripts: 5 prime UTR variant (3), non-coding transcript variant (5).
Genome position (GRCh38, 1-based): chr13:100,273,225, C>T. VCF-style: chr13-100273225-C-T. GRCh37 (hg19) VCF-style: chr13-100925479-C-T.
Other names: c.-2C>T (NM_001352611.2, NM_001352612.2, NM_001352610.2); c.866C>T, p.Ala289Val (NM_001127692.3, NM_001352607.2, NM_001352608.2); c.944C>T, p.Ala315Val (NM_001178004.2, NM_001352605.2, NM_001352606.2 and 1 more transcripts); short protein forms A289V, A315V.
Identifiers: ClinVar variation 1507945 (VCV001507945.4), dbSNP rs1302507711, ClinGen allele CA388694733.

ClinVar aggregate classification (germline): Uncertain significance (1 of 4 stars; one submission).

Conditions:
Propionic acidemia (PROP). Also called: GLYCINEMIA, KETOTIC; HYPERGLYCINEMIA WITH KETOACIDOSIS AND LEUKOPENIA; KETOTIC HYPERGLYCINEMIA. Identifiers: Orphanet 35, MedGen C0268579, MONDO:0011628, OMIM 606054, HP:0003571.

Allele frequency attached by ClinVar (database versions not stated): gnomAD exomes below 0.00001.
gnomAD v4.1: 1 of 1,612,544 alleles (0.000062%); highest among the groups gnomAD compares: Admixed American, 0.0017%; no homozygotes.

Submission:

Labcorp Genetics (formerly Invitae), Labcorp
Classification: Uncertain significance for Propionic acidemia. Last evaluated: 2021-11-02. Review status: criteria provided, single submitter. Criteria: Invitae Variant Classification Sherloc (09022015). Collection method: clinical testing. Allele origin: germline.
Comment: This sequence change replaces alanine, which is neutral and non-polar, with valine, which is neutral and non-polar, at codon 315 of the PCCA protein (p.Ala315Val). The frequency data for this variant in the population databases is considered unreliable, as metrics indicate poor data quality at this position in the gnomAD database. This variant has not been reported in the literature in individuals affected with PCCA-related conditions. Advanced modeling of protein sequence and biophysical properties (such as structural, functional, and spatial information, amino acid conservation, physicochemical variation, residue mobility, and thermodynamic stability) performed at Invitae indicates that this missense variant is expected to disrupt PCCA protein function. In summary, the available evidence is currently insufficient to determine the role of this variant in disease. Therefore, it has been classified as a Variant of Uncertain Significance.